The following is an entry in ClinVar:

NM_000138.5(FBN1):c.1026C>T (p.Asn342=)

Genes: FBN1 (fibrillin 1; minus strand), LOC113939944 (Sharpr-MPRA regulatory region 9539; plus strand). Cytogenetic location: 15q21.1.
Variant type: single nucleotide variant.
Coding change: c.1026C>T on transcript NM_000138.5 (MANE Select); coding-DNA position 1026, C replaced by T.
Protein change: p.Asn342=; no amino-acid change (asparagine 342 retained).
Molecular consequence: synonymous variant.
Genome position (GRCh38, 1-based): chr15:48,520,780, G>A on the plus strand (C>T on the coding strand, the complement: FBN1 is on the minus strand). VCF-style: chr15-48520780-G-A. GRCh37 (hg19) VCF-style: chr15-48812977-G-A.
Identifiers: ClinVar variation 548998 (VCV000548998.14), dbSNP rs769282306, ClinGen allele CA043334.

ClinVar aggregate classification (germline): Likely benign. Review status: criteria provided, multiple submitters, no conflicts (2 of 4 stars). 5 submissions from 5 submitters: Likely benign (4). 1 of the submissions does not count toward it. Last evaluated 2025-08-31.

Conditions:
Familial thoracic aortic aneurysm and aortic dissection (TAAD). Also called: Thoracic aortic aneurysms and dissections. Identifiers: Orphanet 91387, MedGen C4707243, MONDO:0019625.
Marfan syndrome (MFS). Also called: Marfan syndrome type 1; Marfan syndrome, classic; Marfan's syndrome; FBN1-Related Marfan Syndrome; MARFAN SYNDROME, TYPE I. Identifiers: Orphanet 284963, Orphanet 558, MedGen C0024796, MONDO:0007947, OMIM 154700.

Allele frequency attached by ClinVar (database versions not stated): ExAC 0.00001; TOPMed 0.00002; gnomAD 0.00001; gnomAD exomes 0.00001.
gnomAD v4.1: 12 of 1,614,072 alleles (0.00074%); highest among the groups gnomAD compares: South Asian, 0.0066%; no homozygotes.

Submissions (5):

Labcorp Genetics (formerly Invitae), Labcorp
Classification: Likely benign for Marfan syndrome; Familial thoracic aortic aneurysm and aortic dissection. Last evaluated: 2025-08-31. Review status: criteria provided, single submitter. Criteria: Invitae Variant Classification Sherloc (09022015). Collection method: clinical testing. Allele origin: germline.

All of Us Research Program, National Institutes of Health
Classification: Likely benign for Marfan syndrome. Last evaluated: 2023-12-01. Review status: criteria provided, single submitter. Criteria: ACMG Guidelines, 2015. Collection method: clinical testing. Allele origin: germline. Inheritance: Autosomal dominant inheritance. Observed: 6 variant alleles, 6 heterozygotes.
Comment: This study involves interpretation of variants in research participants for the purpose of population health screening. Participant phenotype was not available at the time of variant classification. Additional details can be found in publication PMID: 35346344, PMCID: PMC8962531

Ambry Genetics
Classification: Likely benign for Familial thoracic aortic aneurysm and aortic dissection. Last evaluated: 2022-06-27. Review status: criteria provided, single submitter. Criteria: Ambry Variant Classification Scheme 2023. Collection method: clinical testing. Allele origin: germline.

Color Diagnostics, LLC DBA Color Health
Classification: Likely benign for Familial thoracic aortic aneurysm and aortic dissection. Last evaluated: 2019-01-20. Review status: criteria provided, single submitter. Criteria: ACMG Guidelines, 2015. Collection method: clinical testing. Allele origin: germline.

Center for Medical Genetics Ghent, University of Ghent
Classification: Likely benign for Marfan syndrome. Last evaluated: 2017-11-07. Review status: no assertion criteria provided. Collection method: clinical testing. Allele origin: germline. Affected: yes. Not counted in ClinVar's aggregate classification.